The following is an entry in ClinVar:

ClinVar aggregate classification (germline): Uncertain significance (1 of 4 stars; one submission).

Conditions:
LAMA2-related muscular dystrophy (LAMA2-RD). Also called: Laminin alpha 2-related dystrophy. Identifiers: MedGen C5679788, MONDO:0100228.

Submission:

Labcorp Genetics (formerly Invitae), Labcorp
Classification: Uncertain significance for LAMA2-related muscular dystrophy. Last evaluated: 2022-08-16. Review status: criteria provided, single submitter. Criteria: Invitae Variant Classification Sherloc (09022015). Collection method: clinical testing. Allele origin: germline.
Comment: This sequence change replaces glycine, which is neutral and non-polar, with cysteine, which is neutral and slightly polar, at codon 1824 of the LAMA2 protein (p.Gly1824Cys). This variant is not present in population databases (gnomAD no frequency). This variant has not been reported in the literature in individuals affected with LAMA2-related conditions. ClinVar contains an entry for this variant (Variation ID: 1396211). Advanced modeling of protein sequence and biophysical properties (such as structural, functional, and spatial information, amino acid conservation, physicochemical variation, residue mobility, and thermodynamic stability) performed at Invitae indicates that this missense variant is not expected to disrupt LAMA2 protein function. In summary, the available evidence is currently insufficient to determine the role of this variant in disease. Therefore, it has been classified as a Variant of Uncertain Significance.

NM_000426.4(LAMA2):c.5470G>T (p.Gly1824Cys)

Gene: LAMA2 (laminin subunit alpha 2; plus strand). Cytogenetic location: 6q22.33.
Variant type: single nucleotide variant.
Coding change: c.5470G>T on transcript NM_000426.4 (MANE Select); coding-DNA position 5470, G replaced by T.
Protein change: p.Gly1824Cys; replaces glycine 1824 with cysteine.
Molecular consequence: missense variant.
Genome position (GRCh38, 1-based): chr6:129,401,248, G>T. VCF-style: chr6-129401248-G-T. GRCh37 (hg19) VCF-style: chr6-129722393-G-T.
Other names: c.5470G>T, p.Gly1824Cys (NM_001079823.2); short protein forms G1824C.
Identifiers: ClinVar variation 1396211 (VCV001396211.3), dbSNP rs370150883, ClinGen allele CA365615136.